The following is an entry in ClinVar:

NM_182493.3(MYLK3):c.371C>T (p.Ala124Val)

Gene: MYLK3 (myosin light chain kinase 3; minus strand). Cytogenetic location: 16q11.2.
Variant type: single nucleotide variant.
Coding change: c.371C>T on transcript NM_182493.3 (MANE Select); coding-DNA position 371, C replaced by T.
Protein change: p.Ala124Val; replaces alanine 124 with valine.
Molecular consequence: missense variant. On other transcripts: intron variant (1).
Genome position (GRCh38, 1-based): chr16:46,747,823, G>A on the plus strand (C>T on the coding strand, the complement: MYLK3 is on the minus strand). VCF-style: chr16-46747823-G-A. GRCh37 (hg19) VCF-style: chr16-46781735-G-A.
Other names: c.-113-7676C>T (NM_001308301.1); short protein forms A124V.
Identifiers: ClinVar variation 2125654 (VCV002125654.4), dbSNP rs1967055456, ClinGen allele CA395796945.

ClinVar aggregate classification (germline): Uncertain significance (1 of 4 stars; one submission).

Submission:

Labcorp Genetics (formerly Invitae), Labcorp
Classification: Uncertain significance. Last evaluated: 2022-04-25. Review status: criteria provided, single submitter. Criteria: Invitae Variant Classification Sherloc (09022015). Collection method: clinical testing. Allele origin: germline.
Comment: In summary, the available evidence is currently insufficient to determine the role of this variant in disease. Therefore, it has been classified as a Variant of Uncertain Significance. Algorithms developed to predict the effect of missense changes on protein structure and function (SIFT, PolyPhen-2, Align-GVGD) all suggest that this variant is likely to be tolerated. This variant has not been reported in the literature in individuals affected with MYLK3-related conditions. This variant is not present in population databases (gnomAD no frequency). This sequence change replaces alanine, which is neutral and non-polar, with valine, which is neutral and non-polar, at codon 124 of the MYLK3 protein (p.Ala124Val).